The following is an entry in ClinVar:

ClinVar aggregate classification (germline): Uncertain significance. Review status: criteria provided, multiple submitters, no conflicts (2 of 4 stars). 2 submissions from 2 submitters: Uncertain significance (2). Last evaluated 2024-06-27.

Conditions:
Aortic aneurysm, familial thoracic 4 (AAT4). Also called: AORTIC ANEURYSM/AORTIC DISSECTION AND PATENT DUCTUS ARTERIOSUS. Identifiers: MedGen C1851504, MONDO:0007568, OMIM 132900.

Allele frequency attached by ClinVar (database versions not stated): gnomAD exomes below 0.00001.
gnomAD v4.1: 1 of 1,614,168 alleles (0.000062%); highest among the groups gnomAD compares: Non-Finnish European, 0.000085%; no homozygotes.

Submissions (2):

Blueprint Genetics
Classification: Uncertain significance. Last evaluated: 2024-06-27. Review status: criteria provided, single submitter. Criteria: ACMG Guidelines, 2015. Collection method: clinical testing. Allele origin: germline.

Labcorp Genetics (formerly Invitae), Labcorp
Classification: Uncertain significance for Aortic aneurysm, familial thoracic 4. Last evaluated: 2018-07-25. Review status: criteria provided, single submitter. Criteria: Invitae Variant Classification Sherloc (09022015). Collection method: clinical testing. Allele origin: germline.
Comment: In summary, the available evidence is currently insufficient to determine the role of this variant in disease. Therefore, it has been classified as a Variant of Uncertain Significance. This variant is not present in population databases (ExAC no frequency). This sequence change replaces histidine with arginine at codon 455 of the MYH11 protein (p.His455Arg). The histidine residue is highly conserved and there is a small physicochemical difference between histidine and arginine. Algorithms developed to predict the effect of missense changes on protein structure and function (SIFT, PolyPhen-2, Align-GVGD) all suggest that this variant is likely to be tolerated, but these predictions have not been confirmed by published functional studies and their clinical significance is uncertain. This variant has not been reported in the literature in individuals with MYH11-related disease.

NM_002474.3(MYH11):c.1343A>G (p.His448Arg)

Gene: MYH11 (myosin heavy chain 11; minus strand). Cytogenetic location: 16p13.11.
Variant type: single nucleotide variant.
Coding change: c.1343A>G on transcript NM_002474.3 (MANE Select); coding-DNA position 1343, A replaced by G.
Protein change: p.His448Arg; replaces histidine 448 with arginine.
Molecular consequence: missense variant.
Genome position (GRCh38, 1-based): chr16:15,759,634, T>C on the plus strand (A>G on the coding strand, the complement: MYH11 is on the minus strand). VCF-style: chr16-15759634-T-C. GRCh37 (hg19) VCF-style: chr16-15853491-T-C.
Other names: c.1364A>G, p.His455Arg (NM_001040113.2, NM_001040114.2); c.1343A>G, p.His448Arg (NM_022844.3); short protein forms H448R, H455R.
Identifiers: ClinVar variation 663644 (VCV000663644.9), dbSNP rs1596793460, ClinGen allele CA394872421.